The following is an entry in ClinVar:

ClinVar aggregate classification (germline): Uncertain significance (1 of 4 stars; one submission).

Conditions:
Nance-Horan syndrome (NHS). Identifiers: Orphanet 627, MedGen C0796085, MONDO:0010545, OMIM 302350.

Submission:

Labcorp Genetics (formerly Invitae), Labcorp
Classification: Uncertain significance for Nance-Horan syndrome. Last evaluated: 2024-07-01. Review status: criteria provided, single submitter. Criteria: Invitae Variant Classification Sherloc (09022015). Collection method: clinical testing. Allele origin: germline.
Comment: This sequence change replaces glycine, which is neutral and non-polar, with valine, which is neutral and non-polar, at codon 42 of the NHS protein (p.Gly42Val). This variant is not present in population databases (gnomAD no frequency). This variant has not been reported in the literature in individuals affected with NHS-related conditions. An algorithm developed to predict the effect of missense changes on protein structure and function (PolyPhen-2) suggests that this variant is likely to be tolerated. In summary, the available evidence is currently insufficient to determine the role of this variant in disease. Therefore, it has been classified as a Variant of Uncertain Significance.

NM_001291867.2(NHS):c.125G>T (p.Gly42Val)

Gene: NHS (NHS actin remodeling regulator; plus strand). Cytogenetic location: Xp22.2.
Variant type: single nucleotide variant.
Coding change: c.125G>T on transcript NM_001291867.2 (MANE Select); coding-DNA position 125, G replaced by T.
Protein change: p.Gly42Val; replaces glycine 42 with valine.
Molecular consequence: missense variant.
Genome position (GRCh38, 1-based): chrX:17,375,882, G>T. VCF-style: chrX-17375882-G-T. GRCh37 (hg19) VCF-style: chrX-17394005-G-T.
Other names: c.125G>T, p.Gly42Val (NM_198270.4); short protein forms G42V.
Identifiers: ClinVar variation 3625868 (VCV003625868.2).